The following is an entry in ClinVar:

NM_006268.5(DPF2):c.247C>T (p.Arg83Trp)

Gene: DPF2 (double PHD fingers 2; plus strand). Cytogenetic location: 11q13.1.
Variant type: single nucleotide variant.
Coding change: c.247C>T on transcript NM_006268.5 (MANE Select); coding-DNA position 247, C replaced by T.
Protein change: p.Arg83Trp; replaces arginine 83 with tryptophan.
Molecular consequence: missense variant.
Genome position (GRCh38, 1-based): chr11:65,341,019, C>T. VCF-style: chr11-65341019-C-T. GRCh37 (hg19) VCF-style: chr11-65108490-C-T.
Other names: c.247C>T (NM_006268.4); c.247C>T, p.Arg83Trp (NM_001330308.2); short protein forms R83W.
Identifiers: ClinVar variation 2968966 (VCV002968966.4), dbSNP rs770311911, ClinGen allele CA223956001.

ClinVar aggregate classification (germline): Uncertain significance. Review status: criteria provided, multiple submitters, no conflicts (2 of 4 stars). 2 submissions from 2 submitters: Uncertain significance (2). Last evaluated 2024-12-23.

Conditions:
Inborn genetic diseases. Identifiers: MedGen C0950123, MeSH D030342.

Allele frequency attached by ClinVar (database versions not stated): gnomAD 0.00001.

Submissions (2):

Ambry Genetics
Classification: Uncertain significance for Inborn genetic diseases. Last evaluated: 2024-12-23. Review status: criteria provided, single submitter. Criteria: Ambry Variant Classification Scheme 2023. Collection method: clinical testing. Allele origin: germline.

Labcorp Genetics (formerly Invitae), Labcorp
Classification: Uncertain significance. Last evaluated: 2022-11-24. Review status: criteria provided, single submitter. Criteria: Invitae Variant Classification Sherloc (09022015). Collection method: clinical testing. Allele origin: germline.
Comment: This sequence change replaces arginine, which is basic and polar, with tryptophan, which is neutral and slightly polar, at codon 83 of the DPF2 protein (p.Arg83Trp). This variant is not present in population databases (gnomAD no frequency). This variant has not been reported in the literature in individuals affected with DPF2-related conditions. Algorithms developed to predict the effect of missense changes on protein structure and function (SIFT, PolyPhen-2, Align-GVGD) all suggest that this variant is likely to be disruptive. In summary, the available evidence is currently insufficient to determine the role of this variant in disease. Therefore, it has been classified as a Variant of Uncertain Significance.